The following is an entry in ClinVar:

NM_001005242.3(PKP2):c.1556G>A (p.Arg519Lys)

Gene: PKP2 (plakophilin 2; minus strand). Cytogenetic location: 12p11.21.
Variant type: single nucleotide variant.
Coding change: c.1556G>A on transcript NM_001005242.3 (MANE Select); coding-DNA position 1556, G replaced by A.
Protein change: p.Arg519Lys; replaces arginine 519 with lysine.
Molecular consequence: missense variant.
Genome position (GRCh38, 1-based): chr12:32,841,028, C>T on the plus strand (G>A on the coding strand, the complement: PKP2 is on the minus strand). VCF-style: chr12-32841028-C-T. GRCh37 (hg19) VCF-style: chr12-32993962-C-T.
Other names: c.1688G>A, p.Arg563Lys (NM_004572.4); short protein forms R519K, R563K.
Identifiers: ClinVar variation 1171070 (VCV001171070.2), dbSNP rs2137829798, ClinGen allele CA384367175.

ClinVar aggregate classification (germline): Uncertain significance (1 of 4 stars; one submission).

Conditions:
Cardiomyopathy (CMYO). Also called: Cardiomyopathies. Identifiers: Orphanet 167848, MedGen C0878544, MONDO:0004994, HP:0001638. Inheritance: Various modes of inheritance.

Submission:

Color Diagnostics, LLC DBA Color Health
Classification: Uncertain significance for Cardiomyopathy. Last evaluated: 2021-01-04. Review status: criteria provided, single submitter. Criteria: ACMG Guidelines, 2015. Collection method: clinical testing. Allele origin: germline.
Comment: This variant causes a G>A nucleotide substitution at the last nucleotide of exon 7 of the PKP2 gene and replaces lysine with arginine with lysine at codon 563 of the PKP2 protein. Computational prediction suggests that this variant may have deleterious impact on protein structure and function (internally defined REVEL score threshold >= 0.7, PMID: 27666373). Splice site prediction tools suggest that this variant may have a significant impact on RNA splicing, however, this prediction has not been confirmed in published RNA studies. To our knowledge, functional studies have not been reported for this variant. This variant has not been reported in individuals affected with cardiovascular disorders in the literature. This variant has not been identified in the general population by the Genome Aggregation Database (gnomAD). The available evidence is insufficient to determine the role of this variant in disease conclusively. Therefore, this variant is classified as a Variant of Uncertain Significance.